The following is an entry in ClinVar:

ClinVar aggregate classification (germline): Likely benign (1 of 4 stars; one submission).

Submission:

CeGaT Center for Human Genetics Tuebingen
Classification: Likely benign. Last evaluated: 2023-05-01. Review status: criteria provided, single submitter. Criteria: CeGaT Center For Human Genetics Tuebingen Variant Classification Criteria Version 2. Collection method: clinical testing. Allele origin: germline. Affected: yes. Observed: 1 variant allele.
Comment: RELN: PM2:Supporting, BP4, BP7

NM_005045.4(RELN):c.8892T>G (p.Ser2964=)

Genes: RELN (reelin; minus strand), SLC26A5-AS1 (SLC26A5 antisense RNA 1; plus strand). Cytogenetic location: 7q22.1.
Variant type: single nucleotide variant.
Coding change: c.8892T>G on transcript NM_005045.4 (MANE Select); coding-DNA position 8892, T replaced by G.
Protein change: p.Ser2964=; no amino-acid change (serine 2964 retained).
Molecular consequence: synonymous variant.
Genome position (GRCh38, 1-based): chr7:103,497,878, A>C on the plus strand (T>G on the coding strand, the complement: RELN is on the minus strand). VCF-style: chr7-103497878-A-C. GRCh37 (hg19) VCF-style: chr7-103138325-A-C.
Other names: c.8892T>G, p.Ser2964= (NM_173054.3).
Identifiers: ClinVar variation 2657892 (VCV002657892.24), dbSNP rs2484702628, ClinGen allele CA457024092.